The following is an entry in ClinVar:

ClinVar aggregate classification (germline): Pathogenic/Likely pathogenic. Review status: criteria provided, multiple submitters, no conflicts (2 of 4 stars). 10 submissions from 10 submitters: Pathogenic (8); Likely pathogenic (1). 1 of the submissions does not count toward it. Last evaluated 2025-10-28.

Conditions:
FGA-related disorder. Also called: FGA-related condition; FGA-related disorders.
Congenital afibrinogenemia. Identifiers: Orphanet 335, Orphanet 98880, MedGen C2584774, MONDO:0008737, OMIM 202400.
Familial visceral amyloidosis, Ostertag type (AMYLD2). Also called: Familial visceral amyloidosis; Ostertag type amyloidosis; AMYLOIDOSIS, HEREDITARY SYSTEMIC 2; Amyloidosis, hepatic and systemic; Hereditary Renal Amyloidosis; AMYLOIDOSIS VIII. Identifiers: Orphanet 85450, MedGen C0268389, MONDO:0007099, OMIM 105200.
Familial dysfibrinogenemia. Also called: Dysfibrinogenemia, congenital. Identifiers: Orphanet 335, Orphanet 98881, MedGen C0272350, MONDO:0014452, OMIM 616004.

Allele frequency attached by ClinVar (database versions not stated): gnomAD exomes below 0.00001; gnomAD 0.00001.
gnomAD v4.1: 25 of 1,614,018 alleles (0.0015%); highest among the groups gnomAD compares: Non-Finnish European, 0.002%; no homozygotes.

Submissions (10):

Women's Health and Genetics/Laboratory Corporation of America, LabCorp
Classification: Pathogenic for Familial dysfibrinogenemia. Last evaluated: 2025-10-28. Review status: criteria provided, single submitter. Criteria: LabCorp Variant Classification Summary - May 2015. Collection method: clinical testing. Allele origin: germline.
Comment: Variant summary: FGA c.1634A>T (p.Glu545Val) results in a non-conservative amino acid change in the encoded protein sequence. Algorithms developed to predict the effect of missense changes on protein structure and function are either unavailable or do not agree on the potential impact of this missense change. The variant allele was found at a frequency of 4e-06 in 250824 control chromosomes. c.1634A>T has been observed in multiple individuals affected with autosomal dominant hereditary systemic amyloidosis and it has been found to segregate with the phenotype in affected families (e.g. Uemichi_1994, Tavares_2019). These data indicate that the variant is very likely to be associated with disease. The following publications have been ascertained in the context of this evaluation (PMID: 8113408, 31343282). ClinVar contains an entry for this variant (Variation ID: 16410). To our knowledge, this variant has not been reported in individuals with congenital dysfibrinogenemia. Based on the evidence outlined above, the variant was classified as pathogenic for autosomal dominant hereditary systemic amyloidosis.

Variantyx, Inc.
Classification: Likely pathogenic for Familial visceral amyloidosis, Ostertag type. Last evaluated: 2025-10-23. Review status: criteria provided, single submitter. Criteria: Variantyx Assertion Criteria 2022. Collection method: clinical testing. Allele origin: germline. Inheritance: Autosomal dominant inheritance. Affected: yes.
Comment: This is a nonsynonymous variant in the FGA gene (OMIM: 134820). Pathogenic variants in this gene have been associated with autosomal dominant hereditary systemic amyloidosis-2. This variant has been reported in at least 4 unrelated affected individuals (PMID: 8113408, 10825402, 19109585, 37920778, 8944230) (PS4_Moderate) and observed to segregate with disease in at least 10 individuals from 4 families (PMID: 8113408, 8944230) (PP1). Multiple computational algorithms predict no functional impact for this variant (REVEL score: 0.213) (BP4). This variant has a 0.0020% maximum allele frequency in non-founder control populations (PM2). Based on the current evidence, this variant is classified as likely pathogenic for autosomal dominant hereditary systemic amyloidosis-2.

GeneDx
Classification: Pathogenic. Last evaluated: 2025-03-17. Review status: criteria provided, single submitter. Criteria: GeneDx Variant Classification Process June 2021. Collection method: clinical testing. Allele origin: germline. Affected: yes.
Comment: Not observed at significant frequency in large population cohorts (gnomAD); In silico analysis indicates that this missense variant does not alter protein structure/function; Also known as p.(E526V); This variant is associated with the following publications: (PMID: 8944230, 10825402, 25331409, 12050338, 19109585, 27293018, 8113408, 23343498, 26199771, 28359658, 31343282, 32660897, 37920778, 33258288)

Dasa
Classification: Pathogenic. Last evaluated: 2024-12-02. Review status: criteria provided, single submitter. Criteria: DASA Assertion Criteria. Collection method: clinical testing. Allele origin: germline.
Comment: NM_021871.4(FGA):c.1634A>T (p.Glu545Val) introduces a glutamic acid-to-valine substitution. Functional studies support a deleterious impact on fibrinogen (PMID: 8113408, 8944230). The variant has been recurrently observed in individuals with fibrinogen-related disorders and shows segregation in affected families (PMID: 12050338, 29240685, 32660897, 31343282). It is present at low frequency in population datasets. Based on the available data, this variant is classified as pathogenic.

Department of Human Genetics, Hannover Medical School
Classification: Pathogenic for Familial visceral amyloidosis, Ostertag type. Last evaluated: 2024-03-13. Review status: criteria provided, single submitter. Criteria: ACMG Guidelines, 2015. Collection method: clinical testing. Allele origin: germline. Affected: yes.

Mayo Clinic Laboratories, Mayo Clinic
Classification: Pathogenic. Last evaluated: 2023-02-08. Review status: criteria provided, single submitter. Criteria: ACMG Guidelines, 2015. Collection method: clinical testing. Allele origin: germline. Observed: 1 variant allele.

Institute of Immunology and Genetics Kaiserslautern
Classification: Pathogenic for Familial visceral amyloidosis, Ostertag type. Last evaluated: 2022-11-03. Review status: criteria provided, single submitter. Criteria: ACMG Guidelines, 2015. Collection method: clinical testing. Allele origin: germline. Affected: yes.
Comment: ACMG Criteria: PS3, PS4, PM2_P, PP1, PP5; Variant was found in heterozygous state.

Fulgent Genetics
Classification: Pathogenic for Familial visceral amyloidosis, Ostertag type; Congenital afibrinogenemia; Familial dysfibrinogenemia. Last evaluated: 2021-07-17. Review status: criteria provided, single submitter. Criteria: ACMG Guidelines, 2015. Collection method: clinical testing. Allele origin: unknown.

Blueprint Genetics
Classification: Pathogenic for FGA-related disorders. Last evaluated: 2021-01-25. Review status: criteria provided, single submitter. Criteria: ACMG Guidelines, 2015. Collection method: clinical testing. Allele origin: germline. Affected: yes. Observed: 2 variant alleles.

OMIM
Classification: Pathogenic for AMYLOIDOSIS, HEREDITARY SYSTEMIC 2. Last evaluated: 2008-12-25. Review status: no assertion criteria provided. Collection method: literature only. Allele origin: germline. Not counted in ClinVar's aggregate classification.

Literature cited by the submitters: PubMed 31343282 (cited by Women's Health and Genetics/Laboratory Corporation of America, LabCorp and Dasa); PubMed 8113408 (cited by 4 submitters); PubMed 10825402 (cited by Variantyx, Inc.); PubMed 19109585 (cited by Variantyx, Inc. and OMIM); PubMed 37920778 (cited by Variantyx, Inc.); PubMed 8944230 (cited by 3 submitters); PubMed 12050338 (cited by Dasa and OMIM); PubMed 29240685 (cited by Dasa); PubMed 32660897 (cited by Dasa and Mayo Clinic Laboratories, Mayo Clinic); Uemichi, T., Liepnieks, J. J., Benson, M. D. Fibrinogen Indianapolis: a fibrinogen A-alpha chain associated with hereditary amyloidosis. (Abstract) Clin. Res. 41: 133-only, 1993. (cited by OMIM).

NM_021871.4(FGA):c.1634A>T (p.Glu545Val)

Gene: FGA (fibrinogen alpha chain; minus strand). Cytogenetic location: 4q31.3.
Variant type: single nucleotide variant.
Coding change: c.1634A>T on transcript NM_021871.4 (MANE Select); coding-DNA position 1634, A replaced by T.
Protein change: p.Glu545Val; replaces glutamic acid 545 with valine.
Molecular consequence: missense variant.
Genome position (GRCh38, 1-based): chr4:154,585,795, T>A on the plus strand (A>T on the coding strand, the complement: FGA is on the minus strand). VCF-style: chr4-154585795-T-A. GRCh37 (hg19) VCF-style: chr4-155506947-T-A.
Other names: E526V; c.1634A>T, p.Glu545Val (NM_000508.5, LRG_557t1); c.1634A>T (NM_021871.2); short protein forms E545V.
Identifiers: ClinVar variation 16410 (VCV000016410.10), dbSNP rs121909612, ClinGen allele CA126494.